The following is an entry in ClinVar:

ClinVar aggregate classification (germline): Likely benign (1 of 4 stars; one submission).

Conditions:
Megacystis-microcolon-intestinal hypoperistalsis syndrome 5. Identifiers: MedGen C5543636, MONDO:0030329, OMIM 619431.

Submission:

Centre for Medical Genetics,  Mumbai
Classification: Likely benign for Megacystis-microcolon-intestinal hypoperistalsis syndrome 5. Last evaluated: 2026-02-16. Review status: criteria provided, single submitter. Criteria: ACMG Guidelines, 2015. Collection method: provider interpretation. Allele origin: germline. Inheritance: Autosomal dominant inheritance. Affected: no. Observed: 1 heterozygote.
Comment: The variant satisfies PM2 criteria; Extremely low frequency in gnomAD population databases. The variant satisfies PP2 criteria; Missense variant in a gene with low rate of benign missense mutations and for which missense mutation is a common mechanism of a disease. The variant satisfies PP3 criteria; For a missense or a splicing region variant, computational prediction tools unanimously support a deleterious effect on the gene. However, the variant satisfies BS2 criteria; present in heterozygous state in an individual that clinically does not have Megacystis-microcolon-intestinal hypoperistalsis syndrome 5.

Literature cited by the submitters: PubMed 24337657.

NM_001615.4(ACTG2):c.724G>A (p.Glu242Lys)

Gene: ACTG2 (actin gamma 2, smooth muscle; plus strand). Cytogenetic location: 2p13.1.
Variant type: single nucleotide variant.
Coding change: c.724G>A on transcript NM_001615.4 (MANE Select); coding-DNA position 724, G replaced by A.
Protein change: p.Glu242Lys; replaces glutamic acid 242 with lysine.
Molecular consequence: missense variant.
Genome position (GRCh38, 1-based): chr2:73,914,790, G>A. VCF-style: chr2-73914790-G-A. GRCh37 (hg19) VCF-style: chr2-74141917-G-A.
Other names: c.595G>A, p.Glu199Lys (NM_001199893.2); short protein forms E242K, E199K.
Identifiers: ClinVar variation 4795842 (VCV004795842.1).